The following is an entry in ClinVar:

ClinVar aggregate classification (germline): Uncertain significance (1 of 4 stars; one submission).

Submission:

Ambry Genetics
Classification: Uncertain significance. Last evaluated: 2025-04-22. Review status: criteria provided, single submitter. Criteria: Ambry Variant Classification Scheme 2023. Collection method: clinical testing. Allele origin: germline.
Comment: The p.L313Q variant (also known as c.938T>A), located in coding exon 1 of the MC1R gene, results from a T to A substitution at nucleotide position 938. The leucine at codon 313 is replaced by glutamine, an amino acid with dissimilar properties. This amino acid position is conserved. In addition, the in silico prediction for this alteration is inconclusive. Based on the available evidence, the clinical significance of this variant remains unclear.

NM_002386.4(MC1R):c.938T>A (p.Leu313Gln)

Gene: MC1R (melanocortin 1 receptor; plus strand). Cytogenetic location: 16q24.3.
Variant type: single nucleotide variant.
Coding change: c.938T>A on transcript NM_002386.4 (MANE Select); coding-DNA position 938, T replaced by A.
Protein change: p.Leu313Gln; replaces leucine 313 with glutamine.
Molecular consequence: missense variant.
Genome position (GRCh38, 1-based): chr16:89,920,196, T>A. VCF-style: chr16-89920196-T-A. GRCh37 (hg19) VCF-style: chr16-89986604-T-A.
Other names: short protein forms L313Q.
Identifiers: ClinVar variation 4052423 (VCV004052423.1).
Genomic context (GRCh38, chr16:89,920,196, plus strand): 5'-TCGACCCCCTCATCTACGCCTTCCACAGCCAGGAGCTCCGCAGGACGCTCAAGGAGGTGC[T>A]GACATGCTCCTGGTGAGCGCGGTGCACGCGGCTTTAAGTGTGCTGGGCAGAGGGAGGTGG-3'
Protein context (NP_002377.4, residues 303-317): QELRRTLKEV[Leu313Gln]TCSW